The following is an entry in ClinVar:

ClinVar aggregate classification (germline): Benign. Review status: criteria provided, multiple submitters, no conflicts (2 of 4 stars). 10 submissions from 10 submitters: Benign (8). 2 of the submissions do not count toward it. Last evaluated 2026-02-04.

Conditions:
Fraser syndrome 1 (FRASRS1). Also called: CRYPTOPHTHALMOS WITH OTHER MALFORMATIONS. Identifiers: Orphanet 2052, MedGen C4551480, MONDO:0054737, OMIM 219000.

Allele frequency attached by ClinVar (database versions not stated): 1000 Genomes Project 0.21326; 1000 Genomes Project 30x 0.21408; ESP Exome Variant Server 0.23498; gnomAD 0.24092 and 0.24213; TOPMed 0.24096; ExAC 0.26444; gnomAD exomes 0.26539 and 0.26858.
gnomAD v4.1: 423,603 of 1,613,212 alleles (26%); highest among the groups gnomAD compares: Admixed American, 35%; 57,385 homozygotes.

Submissions (10):

Labcorp Genetics (formerly Invitae), Labcorp
Classification: Benign. Last evaluated: 2026-02-04. Review status: criteria provided, single submitter. Criteria: Invitae Variant Classification Sherloc (09022015). Collection method: clinical testing. Allele origin: germline.

Blueprint Genetics
Classification: Benign. Last evaluated: 2024-11-26. Review status: criteria provided, single submitter. Criteria: ACMG Guidelines, 2015. Collection method: clinical testing. Allele origin: germline.

Mayo Clinic Laboratories, Mayo Clinic
Classification: Benign. Last evaluated: 2022-03-09. Review status: criteria provided, single submitter. Criteria: ACMG Guidelines, 2015. Collection method: clinical testing. Allele origin: germline. Observed: 32 variant alleles.

Genome-Nilou Lab
Classification: Benign for Fraser syndrome 1. Last evaluated: 2021-08-10. Review status: criteria provided, single submitter. Criteria: ACMG Guidelines, 2015. Collection method: clinical testing. Allele origin: germline. Affected: no.

Illumina Laboratory Services, Illumina
Classification: Benign for Fraser syndrome 1. Last evaluated: 2018-01-12. Review status: criteria provided, single submitter. Criteria: ICSL Variant Classification Criteria 13 December 2019. Collection method: clinical testing. Allele origin: germline.
Comment: This variant was observed in the ICSL laboratory as part of a predisposition screen in an ostensibly healthy population. It had not been previously curated by ICSL or reported in the Human Gene Mutation Database (HGMD: prior to June 1st, 2018), and was therefore a candidate for classification through an automated scoring system. Utilizing variant allele frequency, disease prevalence and penetrance estimates, and inheritance mode, an automated score was calculated to assess if this variant is too frequent to cause the disease. Based on the score and internal cut-off values, a variant classified as benign is not then subjected to further curation. The score for this variant resulted in a classification of benign for this disease.

Eurofins Ntd Llc (ga)
Classification: Benign. Last evaluated: 2014-11-18. Review status: criteria provided, single submitter. Criteria: EGL Classification Definitions 2015. Collection method: clinical testing. Allele origin: germline. Observed: 1 variant allele, 1 heterozygote.

Breakthrough Genomics
Classification: Benign. Review status: criteria provided, single submitter. Criteria: ACMG Guidelines, 2015. Collection method: not provided. Allele origin: germline. Inheritance: Autosomal recessive inheritance. Affected: yes.

PreventionGenetics, part of Exact Sciences
Classification: Benign. Review status: criteria provided, single submitter. Criteria: ACMG Guidelines, 2015. Collection method: clinical testing. Allele origin: germline.

Diagnostic Laboratory, Department of Genetics, University Medical Center Groningen
Classification: Benign for Fraser syndrome 1. Review status: no assertion criteria provided. Collection method: clinical testing. Allele origin: germline. Affected: yes. Study: VKGL Data-share Consensus. Not counted in ClinVar's aggregate classification.

Genome Diagnostics Laboratory, University Medical Center Utrecht
Classification: Benign. Review status: no assertion criteria provided. Collection method: clinical testing. Allele origin: germline. Affected: yes. Study: VKGL Data-share Consensus. Not counted in ClinVar's aggregate classification.

NM_025074.7(FRAS1):c.3406G>A (p.Glu1136Lys)

Gene: FRAS1 (Fraser extracellular matrix complex subunit 1; plus strand). Cytogenetic location: 4q21.21.
Variant type: single nucleotide variant.
Coding change: c.3406G>A on transcript NM_025074.7 (MANE Select); coding-DNA position 3406, G replaced by A.
Protein change: p.Glu1136Lys; replaces glutamic acid 1136 with lysine.
Molecular consequence: missense variant.
Genome position (GRCh38, 1-based): chr4:78,379,839, G>A. VCF-style: chr4-78379839-G-A. GRCh37 (hg19) VCF-style: chr4-79300993-G-A.
Other names: p.Glu1136Lys; c.3406G>A, p.Glu1136Lys (NM_001166133.2); short protein forms E1136K.
Identifiers: ClinVar variation 196042 (VCV000196042.22), dbSNP rs12512164, ClinGen allele CA202105.
Genomic context (GRCh38, chr4:78,379,839, plus strand): 5'-GGTTCAATAAAGCCACTGGATTTTTCCCTCCTGAATGTCCAAGACCAGGAGGGTAGGGTC[G>A]AAGATCTCCTATTTCATGTTGTGAGCACTCCCACCAATGGTCAGCTAGTGCTCTCAAGAA-3'
Protein context (NP_079350.5, residues 1126-1146): LNVQDQEGRV[Glu1136Lys]DLLFHVVSTP